The following is an entry in ClinVar:

ClinVar aggregate classification (germline): Uncertain significance (1 of 4 stars; one submission).

Submission:

CeGaT Center for Human Genetics Tuebingen
Classification: Uncertain significance. Last evaluated: 2022-04-01. Review status: criteria provided, single submitter. Criteria: CeGaT Center For Human Genetics Tuebingen Variant Classification Criteria Version 2. Collection method: clinical testing. Allele origin: germline. Affected: yes. Observed: 1 variant allele.
Comment: PKD1: PM2

NM_001009944.3(PKD1):c.9756G>C (p.Glu3252Asp)

Gene: PKD1 (polycystin 1, transient receptor potential channel interacting; minus strand). Cytogenetic location: 16p13.3.
Variant type: single nucleotide variant.
Coding change: c.9756G>C on transcript NM_001009944.3 (MANE Select); coding-DNA position 9756, G replaced by C.
Protein change: p.Glu3252Asp; replaces glutamic acid 3252 with aspartic acid.
Molecular consequence: missense variant.
Genome position (GRCh38, 1-based): chr16:2,100,028, C>G on the plus strand (G>C on the coding strand, the complement: PKD1 is on the minus strand). VCF-style: chr16-2100028-C-G. GRCh37 (hg19) VCF-style: chr16-2150029-C-G.
Other names: c.9756G>C, p.Glu3252Asp (NM_000296.4); short protein forms E3252D.
Identifiers: ClinVar variation 1694781 (VCV001694781.31), dbSNP rs1317364403, ClinGen allele CA394354243.